The following is an entry in ClinVar:

ClinVar aggregate classification (germline): Benign/Likely benign. Review status: criteria provided, multiple submitters, no conflicts (2 of 4 stars). 3 submissions from 3 submitters: Benign (1); Likely benign (2). Last evaluated 2025-10-19.

Conditions:
Hereditary cancer-predisposing syndrome. Also called: Neoplastic Syndromes, Hereditary; Tumor predisposition; Hereditary neoplastic syndrome; Hereditary Cancer Syndrome. Identifiers: Orphanet 140162, MedGen C0027672, MeSH D009386, MONDO:0015356.
Oligodontia-cancer predisposition syndrome. Also called: TOOTH AGENESIS-COLORECTAL CANCER SYNDROME. Identifiers: Orphanet 300576, MedGen C1837750, MONDO:0012075, OMIM 608615. Disease mechanism: loss of function.

Allele frequency attached by ClinVar (database versions not stated): gnomAD exomes below 0.00001; gnomAD 0.00001.
gnomAD v4.1: 2 of 1,603,944 alleles (0.00012%); highest among the groups gnomAD compares: Admixed American, 0.0034%; no homozygotes.

Submissions (3):

Ambry Genetics
Classification: Likely benign for Hereditary cancer-predisposing syndrome. Last evaluated: 2025-10-19. Review status: criteria provided, single submitter. Criteria: Ambry Variant Classification Scheme 2023. Collection method: clinical testing. Allele origin: germline.

Labcorp Genetics (formerly Invitae), Labcorp
Classification: Likely benign for Oligodontia-cancer predisposition syndrome. Last evaluated: 2025-07-08. Review status: criteria provided, single submitter. Criteria: Invitae Variant Classification Sherloc (09022015). Collection method: clinical testing. Allele origin: germline.

Myriad Genetics, Inc.
Classification: Benign for Oligodontia-cancer predisposition syndrome. Last evaluated: 2024-06-25. Review status: criteria provided, single submitter. Criteria: Myriad Autosomal Dominant, Autosomal Recessive and X-Linked Classification Criteria (2023). Collection method: clinical testing. Allele origin: unknown.
Comment: This variant is considered benign. This variant is a silent/synonymous amino acid change and it is not expected to impact splicing.

NM_004655.4(AXIN2):c.156T>C (p.Ser52=)

Gene: AXIN2 (axin 2; minus strand). Cytogenetic location: 17q24.1.
Variant type: single nucleotide variant.
Coding change: c.156T>C on transcript NM_004655.4 (MANE Select); coding-DNA position 156, T replaced by C.
Protein change: p.Ser52=; no amino-acid change (serine 52 retained).
Molecular consequence: synonymous variant.
Genome position (GRCh38, 1-based): chr17:65,558,465, A>G on the plus strand (T>C on the coding strand, the complement: AXIN2 is on the minus strand). VCF-style: chr17-65558465-A-G. GRCh37 (hg19) VCF-style: chr17-63554583-A-G.
Other names: c.156T>C, p.Ser52= (NM_001363813.1).
Identifiers: ClinVar variation 2726467 (VCV002726467.5), dbSNP rs1433359604, ClinGen allele CA501691529.